The following is an entry in ClinVar:

ClinVar aggregate classification (germline): Pathogenic/Likely pathogenic. Review status: criteria provided, multiple submitters, no conflicts (2 of 4 stars). 3 submissions from 3 submitters: Pathogenic (1); Likely pathogenic (2). Last evaluated 2026-02-10.

Conditions:
Bardet-Biedl syndrome 2 (BBS2). Identifiers: Orphanet 110, MedGen C2936863, MONDO:0014432, OMIM 615981.
BBS2-related disorder. Also called: BBS2-related condition; BBS2-related disorders. Identifiers: MedGen CN239228.

Submissions (3):

PreventionGenetics, part of Exact Sciences
Classification: Likely pathogenic for BBS2-related condition. Last evaluated: 2026-02-10. Review status: criteria provided, single submitter. Criteria: ACMG Guidelines, 2015. Collection method: clinical testing. Allele origin: germline.
Comment: The BBS2 c.374T>G variant is predicted to result in the amino acid substitution p.Leu125Arg. This variant was reported to segregate with disease in five affected individuals of two generations in a single family, and was not found in the homozygous state in any unaffected family members or other controls (Billingsley et al. 2010. PubMed ID: 20472660). This variant has not been reported in a large population database (gnomAD), indicating this variant is rare. This variant is interpreted as likely pathogenic.

Blueprint Genetics
Classification: Pathogenic for BBS2-related disorders. Last evaluated: 2024-10-25. Review status: criteria provided, single submitter. Criteria: ACMG Guidelines, 2015. Collection method: clinical testing. Allele origin: germline. Affected: yes. Observed: 5 variant alleles.

Natera, Inc.
Classification: Likely pathogenic for Bardet-Biedl syndrome type 2. Last evaluated: 2024-05-27. Review status: criteria provided, single submitter. Criteria: Natera Variant Classification Schema (03/2026). Collection method: clinical testing. Allele origin: germline.
Comment: The c.374T>G variant in BBS2 is a missense variant predicted to cause substitution of leucine to arginine at amino acid 125. This variant is rare in the general population with a frequency below the threshold expected for the associated phenotype(s). This variant has been observed in one or more individuals affected with the associated recessive disease, as either homozygous or compound heterozygous with a second variant (PMID: 20472660). Additionally, this variant has been observed to segregate in affected family members (PMID: 20472660). Computational prediction algorithms indicate this variant is likely to affect gene or protein function. Given the available evidence, this variant is classified as Likely Pathogenic.

Literature cited by the submitters: PubMed 20472660 (cited by Natera, Inc.).

NM_031885.5(BBS2):c.374T>G (p.Leu125Arg)

Gene: BBS2 (Bardet-Biedl syndrome 2; minus strand). Cytogenetic location: 16q13.
Variant type: single nucleotide variant.
Coding change: c.374T>G on transcript NM_031885.5 (MANE Select); coding-DNA position 374, T replaced by G.
Protein change: p.Leu125Arg; replaces leucine 125 with arginine.
Molecular consequence: missense variant. On other transcripts: non-coding transcript variant (5).
Genome position (GRCh38, 1-based): chr16:56,511,256, A>C on the plus strand (T>G on the coding strand, the complement: BBS2 is on the minus strand). VCF-style: chr16-56511256-A-C. GRCh37 (hg19) VCF-style: chr16-56545168-A-C.
Other names: c.374T>G, p.Leu125Arg (NM_001377456.1); short protein forms L125R.
Identifiers: ClinVar variation 4816289 (VCV004816289.3).
Genomic context (GRCh38, chr16:56,511,256, plus strand): 5'-TGCAGAGCACAATTGCCACCAATAATCGCAAGAGGGGAAGAAATGTCTCCCAATGTCCCC[A>C]GCACAATTGCATTTGCCCCATCTGCTACCTAAGAAAAGTAAAAGGACACATTATCTTAGA-3'
Protein context (NP_114091.4, residues 115-135): EVADGANAIV[Leu125Arg]GTLGDISSPL